The following is an entry in ClinVar:

ClinVar aggregate classification (germline): Pathogenic. Review status: criteria provided, multiple submitters, no conflicts (2 of 4 stars). 12 submissions from 12 submitters: Pathogenic (10). 2 of the submissions do not count toward it. Last evaluated 2026-01-16.

Conditions:
COL7A1-related disorder. Also called: COL7A1- related disorders; COL7A1-related condition.
Nonsyndromic congenital nail disorder 8. Also called: TOENAIL DYSTROPHY, ISOLATED. Identifiers: MedGen C1843761, MONDO:0011852, OMIM 607523.
Transient bullous dermolysis of the newborn (TBDN). Also called: EPIDERMOLYSIS BULLOSA DYSTROPHICA, NEONATAL FORM; DYSTROPHIC EPIDERMOLYSIS BULLOSA, NEONATAL. Identifiers: Orphanet 79411, MedGen C1851573, MONDO:0007548, OMIM 131705.
Recessive dystrophic epidermolysis bullosa (RDEB). Also called: epidermolysis bullosa dystrophica, autosomal recessive; Epidermolysis Bullosa Distrophica Autosomal Recessive (RDEB); Hallopeau-Siemens Disease; severe generalized recessive dystrophic epidermolysis bullosa; DYSTROPHIC EPIDERMOLYSIS BULLOSA, AUTOSOMAL RECESSIVE; EPIDERMOLYSIS BULLOSA DYSTROPHICA, HALLOPEAU-SIEMENS TYPE. Identifiers: Orphanet 79408, Orphanet 79409, MedGen C0079474, MONDO:0009179, OMIM 226600.
Generalized dominant dystrophic epidermolysis bullosa (DDEB). Also called: DYSTROPHIC EPIDERMOLYSIS BULLOSA, AUTOSOMAL DOMINANT; Epidermolysis bullosa dystrophica, autosomal dominant; Dominant DEB (DDEB); DDEB, generalized; DDEB-gen. Identifiers: Orphanet 231568, MedGen C0432322, MONDO:0007549, OMIM 131750.
Epidermolysis bullosa pruriginosa. Also called: DEB, PRURIGINOSA; DYSTROPHIC EPIDERMOLYSIS BULLOSA PRURIGINOSA. Identifiers: Orphanet 89843, MedGen C1275114, MONDO:0011398, OMIM 604129.
Pretibial dystrophic epidermolysis bullosa. Also called: Pretibial blistering; EPIDERMOLYSIS BULLOSA DYSTROPHICA, PRETIBIAL; Pretibial epidermolysis bullosa. Identifiers: Orphanet 79410, MedGen C0432321, MONDO:0007552, OMIM 131850, HP:0012221.
Dominant dystrophic epidermolysis bullosa with absence of skin. Also called: EPIDERMOLYSIS BULLOSA WITH CONGENITAL LOCALIZED ABSENCE OF SKIN AND DEFORMITY OF NAILS; EPIDERMOLYSIS BULLOSA DYSTROPHICA, BART TYPE. Identifiers: MedGen C0268371, MONDO:0007557, OMIM 132000.
Epidermolysis bullosa dystrophica. Also called: Dystrophic epidermolysis bullosa; Dystrophic epidermolysis bullosa, Hallopeau-Siemens type (formerly). Identifiers: Orphanet 303, MedGen C0079294, MONDO:0006543.

Allele frequency attached by ClinVar (database versions not stated): gnomAD 0.00002; gnomAD exomes 0.00003 and 0.00005; ExAC 0.00005; TOPMed 0.00006; ESP Exome Variant Server 0.00016.

Submissions (12):

Labcorp Genetics (formerly Invitae), Labcorp
Classification: Pathogenic. Last evaluated: 2026-01-16. Review status: criteria provided, single submitter. Criteria: Invitae Variant Classification Sherloc (09022015). Collection method: clinical testing. Allele origin: germline.
Comment: This sequence change creates a premature translational stop signal (p.Val168Glyfs*12) in the COL7A1 gene. It is expected to result in an absent or disrupted protein product. Loss-of-function variants in COL7A1 are known to be pathogenic (PMID: 16971478). This variant is present in population databases (rs766902987, gnomAD 0.007%). This premature translational stop signal has been observed in individuals with autosomal recessive dystrophic epidermolysis bullosa (PMID: 8618004, 21448560, 26864810). ClinVar contains an entry for this variant (Variation ID: 279784). For these reasons, this variant has been classified as Pathogenic.

Natera, Inc.
Classification: Pathogenic for Dystrophic epidermolysis bullosa. Last evaluated: 2025-10-29. Review status: criteria provided, single submitter. Criteria: Natera Variant Classification Schema (03/2026). Collection method: clinical testing. Allele origin: germline.
Comment: The c.497dupA variant in COL7A1 is a frameshift variant predicted to shift the reading frame beginning at codon 168 and leads to a stop codon 12 codons downstream. This variant is expected to result in nonsense mediated decay, truncation, or a dysfunctional protein product. This variant is rare in the general population with a frequency below the threshold expected for the associated phenotype(s). This variant has been observed in one or more individuals affected with the associated recessive disease, as either homozygous or compound heterozygous with a second variant (PMID: 19681861). Given the available evidence, this variant is classified as Pathogenic.

Revvity Omics, Revvity
Classification: Pathogenic. Last evaluated: 2025-05-21. Review status: criteria provided, single submitter. Criteria: ACMG Guidelines, 2015. Collection method: clinical testing. Allele origin: germline.

Blueprint Genetics
Classification: Pathogenic for COL7A1-related disorders. Last evaluated: 2024-07-17. Review status: criteria provided, single submitter. Criteria: ACMG Guidelines, 2015. Collection method: clinical testing. Allele origin: germline. Affected: yes. Observed: 5 variant alleles.

Fulgent Genetics
Classification: Pathogenic for Transient bullous dermolysis of the newborn; Generalized dominant dystrophic epidermolysis bullosa; Pretibial dystrophic epidermolysis bullosa; Dominant dystrophic epidermolysis bullosa with absence of skin; Recessive dystrophic epidermolysis bullosa; Epidermolysis bullosa pruriginosa; Nonsyndromic congenital nail disorder 8. Last evaluated: 2024-04-28. Review status: criteria provided, single submitter. Criteria: ACMG Guidelines, 2015. Collection method: clinical testing. Allele origin: germline.

MVZ Medizinische Genetik Mainz
Classification: Pathogenic for Generalized dominant dystrophic epidermolysis bullosa. Last evaluated: 2024-04-08. Review status: criteria provided, single submitter. Criteria: UK Practice Guidelines For Variant Classification V4 01 2020. Collection method: clinical testing. Allele origin: germline. Inheritance: Autosomal recessive inheritance. Affected: yes. Observed: 1 variant allele.
Comment: ACMG Criteria: PVS1,PM3_VSTR,PM2_SUP,PP4

Victorian Clinical Genetics Services, Murdoch Childrens Research Institute
Classification: Pathogenic for Recessive dystrophic epidermolysis bullosa. Last evaluated: 2023-07-17. Review status: criteria provided, single submitter. Criteria: ACMG Guidelines, 2015. Collection method: clinical testing. Allele origin: germline. Inheritance: Autosomal recessive inheritance. Affected: yes.
Comment: Based on the classification scheme VCGS_Germline_v1.3.4, this variant is classified as Pathogenic. Following criteria are met: 0103 - Dominant negative and loss of function are known mechanisms of disease in this gene and are associated with dystrophic epidermolysis bullosa (DEB) (OMIM, PMID: 31670143). (I) 0108 - This gene is associated with both recessive and dominant disease. The spectrum of DEB associated with this gene can be either dominant or recessive. Dominant inheritance (DDEB; MIM#131750) is typically associated with milder phenotypes, whereas recessive inheritance (RDEB; MIM#226600) is usually observed in more severe cases (OMIM). (I) 0115 - Variants in this gene are known to have variable expressivity. Severity ranges from involving only nails to generalised and severe blistering and scarring (PMID: 31670143). (I) 0201 - Variant is predicted to cause nonsense-mediated decay (NMD) and loss of protein (premature termination codon is located at least 54 nucleotides upstream of the final exon-exon junction). (SP) 0251 - This variant is heterozygous. (I) 0304 - Variant is present in gnomAD (v2) <0.01 (7 heterozygotes, 0 homozygotes). (SP) 0701 - Other NMD-predicted variants comparable to the one identified in this case have very strong previous evidence for pathogenicity (ClinVar). (SP) 0801 - This variant has strong previous evidence of pathogenicity in unrelated individuals. This variant has been reported in multiple unrelated homozygous and compound heterozygous individuals with recessive dystrophic epidermolysis bullosa, and is considered a recurrent variant in the Italian population (PMID: 12485454). It has also been reported multiple times as pathogenic in ClinVar. (I) Legend: (SP) - Supporting pathogenic, (I) - Information, (SB) - Supporting benign

Center for Research in Genodermatoses and Epidermolysis Bullosa, University of Buenos Aires
Classification: Pathogenic for Recessive dystrophic epidermolysis bullosa. Last evaluated: 2022-03-14. Review status: criteria provided, single submitter. Criteria: ACMG Guidelines, 2015. Collection method: clinical testing. Allele origin: germline. Affected: yes. Observed: 2 variant alleles, 2 compound heterozygotes.

GeneDx
Classification: Pathogenic. Last evaluated: 2021-10-25. Review status: criteria provided, single submitter. Criteria: GeneDx Variant Classification Process June 2021. Collection method: clinical testing. Allele origin: germline. Affected: yes.
Comment: Frameshift variant predicted to result in protein truncation or nonsense mediated decay in a gene for which loss-of-function is a known mechanism of disease; This variant is associated with the following publications: (PMID: 21448560, 16971478, 8618004, 26864810, 26707537, 19665875, 16484981, 25913354, 12485454, 33274474, 29625052)

Biomedical Innovation Departament, CIEMAT
Classification: Pathogenic for Dystrophic epidermolysis bullosa. Last evaluated: 2019-01-31. Review status: criteria provided, single submitter. Criteria: ACMG Guidelines, 2015. Collection method: research. Allele origin: germline. Affected: yes. Observed: 4 variant alleles.

PreventionGenetics, part of Exact Sciences
Classification: Pathogenic for COL7A1-related condition. Last evaluated: 2024-08-28. Review status: no assertion criteria provided. Collection method: clinical testing. Allele origin: germline. Not counted in ClinVar's aggregate classification.
Comment: The COL7A1 c.497dupA variant is predicted to result in a frameshift and premature protein termination (p.Val168Glyfs*12). This variant, also known as c.497insA, has been reported in the compound heterozygous state in individuals with dystrophic epidermolysis bullosa (see, for example, Christiano et al. 1996. PubMed ID: 8618004; Appendix I, Varki et al. 2007. PubMed ID: 16971478; Diociaiuti et al. 2016. PubMed ID: 26864810; Table S6, Rossi et al. 2021. PubMed ID: 33274474). This variant is reported in 0.0062% of alleles in individuals of European (Non-Finnish) descent in gnomAD. Frameshift variants in COL7A1 are expected to be pathogenic. This variant is interpreted as pathogenic.

GeneReviews
No classification provided. Condition: Generalized dominant dystrophic epidermolysis bullosa. Review status: no classification provided. Collection method: literature only. Allele origin: germline. Not counted in ClinVar's aggregate classification.

Literature cited by the submitters: PubMed 16971478 (cited by Labcorp Genetics (formerly Invitae), Labcorp); PubMed 8618004 (cited by 3 submitters); PubMed 21448560 (cited by Labcorp Genetics (formerly Invitae), Labcorp); PubMed 26864810 (cited by Labcorp Genetics (formerly Invitae), Labcorp); PubMed 19681861 (cited by Natera, Inc.); PubMed 12485454 (cited by Victorian Clinical Genetics Services, Murdoch Childrens Research Institute); PubMed 31670143 (cited by Victorian Clinical Genetics Services, Murdoch Childrens Research Institute); PubMed 35979658 (cited by Center for Research in Genodermatoses and Epidermolysis Bullosa, University of Buenos Aires).

NM_000094.4(COL7A1):c.497dup (p.Val168fs)

Gene: COL7A1 (collagen type VII alpha 1 chain; minus strand). Cytogenetic location: 3p21.31.
Variant type: Duplication.
Coding change: c.497dup on transcript NM_000094.4 (MANE Select); coding-DNA position 497, one base duplicated (A; older notation c.497dupA).
Protein change: p.Val168fs; shifts the reading frame from valine 168.
Molecular consequence: frameshift variant.
Genome position (GRCh38, 1-based): chr3:48,593,379, T duplicated on the plus strand (A on the coding strand, the reverse complement: COL7A1 is on the minus strand). VCF-style (leftmost placement, unchanged base first): chr3-48593378-C-CT. GRCh37 (hg19) VCF-style: chr3-48630811-C-CT.
Other names: c.497dupA (NM_000094.4, NM_000094.3); short protein forms V168fs.
Identifiers: ClinVar variation 279784 (VCV000279784.42), dbSNP rs766902987, ClinGen allele CA2381533.